The following is an entry in ClinVar:

ClinVar aggregate classification (germline): Uncertain significance. Review status: criteria provided, multiple submitters, no conflicts (2 of 4 stars). 2 submissions from 2 submitters: Uncertain significance (2). Last evaluated 2023-09-16.

Conditions:
Developmental and epileptic encephalopathy, 11 (DEE11). Also called: Early infantile epileptic encephalopathy 11. Identifiers: Orphanet 1934, MedGen C3150987, MONDO:0013388, OMIM 613721.
Seizures, benign familial infantile, 3 (BFIS3). Also called: CONVULSIONS, BENIGN FAMILIAL INFANTILE, 3; Familial neonatal seizures. Identifiers: Orphanet 140927, Orphanet 306, MedGen C1843140, MONDO:0011904, OMIM 607745.

Allele frequency attached by ClinVar (database versions not stated): gnomAD exomes below 0.00001.
gnomAD v4.1: 2 of 1,613,818 alleles (0.00012%); highest among the groups gnomAD compares: Non-Finnish European, 0.00017%; no homozygotes.

Submissions (2):

GeneDx
Classification: Uncertain significance. Last evaluated: 2023-09-16. Review status: criteria provided, single submitter. Criteria: GeneDx Variant Classification Process June 2021. Collection method: clinical testing. Allele origin: germline. Affected: yes.
Comment: Not observed in large population cohorts (gnomAD); Missense variants in this gene are often considered pathogenic (HGMD); In silico analysis supports that this missense variant has a deleterious effect on protein structure/function; Has not been previously published as pathogenic or benign to our knowledge; This substitution is predicted to be within the transmembrane segment S1 of the second homologous domain

Labcorp Genetics (formerly Invitae), Labcorp
Classification: Uncertain significance for Seizures, benign familial infantile, 3; Developmental and epileptic encephalopathy, 11. Last evaluated: 2023-08-30. Review status: criteria provided, single submitter. Criteria: Invitae Variant Classification Sherloc (09022015). Collection method: clinical testing. Allele origin: germline.
Comment: This variant has not been reported in the literature in individuals affected with SCN2A-related conditions. In summary, the available evidence is currently insufficient to determine the role of this variant in disease. Therefore, it has been classified as a Variant of Uncertain Significance. Advanced modeling of protein sequence and biophysical properties (such as structural, functional, and spatial information, amino acid conservation, physicochemical variation, residue mobility, and thermodynamic stability) performed at Invitae indicates that this missense variant is expected to disrupt SCN2A protein function. ClinVar contains an entry for this variant (Variation ID: 1318991). This variant is not present in population databases (gnomAD no frequency). This sequence change replaces isoleucine, which is neutral and non-polar, with threonine, which is neutral and polar, at codon 767 of the SCN2A protein (p.Ile767Thr).

NM_001040142.2(SCN2A):c.2300T>C (p.Ile767Thr)

Gene: SCN2A (sodium voltage-gated channel alpha subunit 2; plus strand). Cytogenetic location: 2q24.3.
Variant type: single nucleotide variant.
Coding change: c.2300T>C on transcript NM_001040142.2 (MANE Select); coding-DNA position 2300, T replaced by C.
Protein change: p.Ile767Thr; replaces isoleucine 767 with threonine.
Molecular consequence: missense variant.
Genome position (GRCh38, 1-based): chr2:165,331,480, T>C. VCF-style: chr2-165331480-T-C. GRCh37 (hg19) VCF-style: chr2-166187990-T-C.
Other names: c.2300T>C, p.Ile767Thr (NM_001040143.2, NM_001371246.1, NM_001371247.1 and 1 more transcripts); short protein forms I767T.
Identifiers: ClinVar variation 1318991 (VCV001318991.8), dbSNP rs2105293488, ClinGen allele CA349031236.